The following is an entry in ClinVar:

NM_000038.6(APC):c.2394_2395insG (p.Tyr799fs)

Gene: APC (APC regulator of Wnt signaling pathway; plus strand). Cytogenetic location: 5q22.2.
Variant type: Insertion.
Coding change: c.2394_2395insG on transcript NM_000038.6 (MANE Select); coding-DNA positions 2394 to 2395, G inserted.
Protein change: p.Tyr799fs; shifts the reading frame from tyrosine 799.
Molecular consequence: frameshift variant.
Genome position: GRCh38 VCF-style: chr5-112837988-T-TG. GRCh37 (hg19) VCF-style: chr5-112173685-T-TG.
Other names: c.2394_2395insG, p.Tyr799fs (NM_001127510.3, NM_001354895.2); c.2340_2341insG, p.Tyr781fs (NM_001127511.3); c.2448_2449insG, p.Tyr817fs (NM_001354896.2); c.2424_2425insG, p.Tyr809fs (NM_001354897.2); c.2319_2320insG, p.Tyr774fs (NM_001354898.2); c.2310_2311insG, p.Tyr771fs (NM_001354899.2); c.2271_2272insG, p.Tyr758fs (NM_001354900.2); c.2217_2218insG, p.Tyr740fs (NM_001354901.2); and 5 more; short protein forms Y740fs, Y817fs, Y708fs, Y771fs, Y516fs, Y673fs, Y698fs, Y758fs.
Identifiers: ClinVar variation 854311 (VCV000854311.11), dbSNP rs1765170233, ClinGen allele CA916080354.

ClinVar aggregate classification (germline): Pathogenic (1 of 4 stars; one submission).

Conditions:
Familial adenomatous polyposis 1 (FAP1). Also called: POLYPOSIS, ADENOMATOUS INTESTINAL; FAMILIAL ADENOMATOUS POLYPOSIS 1, ATTENUATED. Identifiers: MedGen C2713442, MONDO:0021056, OMIM 175100. Disease mechanism: loss of function.

Submission:

Labcorp Genetics (formerly Invitae), Labcorp
Classification: Pathogenic for Familial adenomatous polyposis 1. Last evaluated: 2019-03-04. Review status: criteria provided, single submitter. Criteria: Invitae Variant Classification Sherloc (09022015). Collection method: clinical testing. Allele origin: germline.
Comment: This variant is expected to disrupt the EB1 and HDLG binding sites, which mediate interactions with the cytoskeleton (PMID: 15311282, 17293347). While functional studies have not been performed to directly test the effect on APC protein function, this suggests that disruption of the C-terminal portion of the protein is functionally important. For these reasons, this variant has been classified as Pathogenic. A different truncation (p.Tyr2645Lysfs*14) that lies downstream of this variant has been determined to be pathogenic (PMID: 9824584, 1316610, 27081525, 8381579, 22135120, Invitae). This suggests that deletion of this region of the APC protein is causative of disease. This variant has not been reported in the literature in individuals with APC-related conditions. This variant is not present in population databases (ExAC no frequency). This sequence change results in a premature translational stop signal in the APC gene (p.Tyr799Valfs*4). While this is not anticipated to result in nonsense mediated decay, it is expected to disrupt the last 2045 amino acids of the APC protein.

Literature cited by the submitters: PubMed 15311282; PubMed 17293347; PubMed 9824584; PubMed 1316610; PubMed 27081525; PubMed 8381579; PubMed 22135120.